The following is an entry in ClinVar:

ClinVar aggregate classification (germline): Benign/Likely benign. Review status: criteria provided, multiple submitters, no conflicts (2 of 4 stars). 13 submissions from 13 submitters: Benign (5); Likely benign (4). 4 of the submissions do not count toward it. Last evaluated 2026-09-01.

Conditions:
ARID1B-Related Disorder. Identifiers: MedGen CN381337.
Coffin-Siris syndrome 1 (CSS1). Also called: ARID1B-Related Coffin-Siris Syndrome; Mental retardation, autosomal dominant 12. Identifiers: Orphanet 1465, MedGen C3281201, MONDO:0007617, OMIM 135900. Disease mechanism: gain of function.

Allele frequency attached by ClinVar (database versions not stated): ESP Exome Variant Server 0.00408; TOPMed 0.00411; gnomAD exomes 0.00501 and 0.00383; 1000 Genomes Project 30x 0.00156; 1000 Genomes Project 0.00160; gnomAD 0.00384 and 0.00393; ExAC 0.00385.

Submissions (13):

CeGaT Center for Human Genetics Tuebingen
Classification: Benign. Last evaluated: 2026-09-01. Review status: criteria provided, single submitter. Criteria: CeGaT Center For Human Genetics Tuebingen Variant Classification Criteria Version 2. Collection method: clinical testing. Allele origin: germline. Affected: yes. Observed: 48 variant alleles.
Comment: ARID1B: BP4, BS1, BS2

Labcorp Genetics (formerly Invitae), Labcorp
Classification: Benign. Last evaluated: 2026-02-01. Review status: criteria provided, single submitter. Criteria: Invitae Variant Classification Sherloc (09022015). Collection method: clinical testing. Allele origin: germline.

Genomic Medicine Center of Excellence, King Faisal Specialist Hospital and Research Centre
Classification: Likely benign. Last evaluated: 2025-08-18. Review status: criteria provided, single submitter. Criteria: ACMG Guidelines, 2015. Collection method: clinical testing. Allele origin: germline.

Blueprint Genetics
Classification: Likely benign. Last evaluated: 2024-11-22. Review status: criteria provided, single submitter. Criteria: ACMG Guidelines, 2015. Collection method: clinical testing. Allele origin: germline.

Genome-Nilou Lab
Classification: Benign for Coffin-Siris syndrome 1. Last evaluated: 2021-07-15. Review status: criteria provided, single submitter. Criteria: ACMG Guidelines, 2015. Collection method: clinical testing. Allele origin: germline. Affected: no.

GeneDx
Classification: Benign. Last evaluated: 2019-05-31. Review status: criteria provided, single submitter. Criteria: GeneDx Variant Classification Process June 2021. Collection method: clinical testing. Allele origin: germline. Affected: yes.
Comment: This variant is associated with the following publications: (PMID: 22405089)

Center for Pediatric Genomic Medicine, Children's Mercy Hospital and Clinics
Classification: Likely benign. Last evaluated: 2016-05-11. Review status: criteria provided, single submitter. Criteria: ACMG Guidelines, 2015. Collection method: clinical testing. Allele origin: germline.
ClinVar note: Converted during submission from Likely Benign to Likely benign.

Genetic Services Laboratory, University of Chicago
Classification: Benign. Last evaluated: 2016-03-22. Review status: criteria provided, single submitter. Criteria: ACMG Guidelines, 2015. Collection method: clinical testing. Allele origin: germline. Affected: no.

Breakthrough Genomics
Classification: Likely benign. Review status: criteria provided, single submitter. Criteria: ACMG Guidelines, 2015. Collection method: not provided. Allele origin: germline. Inheritance: Autosomal dominant inheritance. Affected: yes.

PreventionGenetics, part of Exact Sciences
Classification: Benign for ARID1B-related condition. Last evaluated: 2022-03-18. Review status: no assertion criteria provided. Collection method: clinical testing. Allele origin: germline. Not counted in ClinVar's aggregate classification.
Comment: This variant is classified as benign based on ACMG/AMP sequence variant interpretation guidelines (Richards et al. 2015 PMID: 25741868, with internal and published modifications).

Clinical Genetics DNA and cytogenetics Diagnostics Lab, Erasmus MC, Erasmus Medical Center
Classification: Likely benign. Review status: no assertion criteria provided. Collection method: clinical testing. Allele origin: germline. Affected: yes. Study: VKGL Data-share Consensus. Not counted in ClinVar's aggregate classification.

Diagnostic Laboratory, Department of Genetics, University Medical Center Groningen
Classification: Likely benign. Review status: no assertion criteria provided. Collection method: clinical testing. Allele origin: germline. Affected: yes. Study: VKGL Data-share Consensus. Not counted in ClinVar's aggregate classification.

Laboratory of Diagnostic Genome Analysis, Leiden University Medical Center (LUMC)
Classification: Likely benign. Review status: no assertion criteria provided. Collection method: clinical testing. Allele origin: germline. Affected: yes. Study: VKGL Data-share Consensus. Not counted in ClinVar's aggregate classification.

NM_001374828.1(ARID1B):c.3235+6C>T

Gene: ARID1B (AT-rich interaction domain 1B; plus strand). Cytogenetic location: 6q25.3.
Variant type: single nucleotide variant.
Coding change: c.3235+6C>T on transcript NM_001374828.1 (MANE Select); 6 bases into the intron after coding-DNA position 3235, C replaced by T.
Molecular consequence: intron variant.
Genome position (GRCh38, 1-based): chr6:157,167,191, C>T. VCF-style: chr6-157167191-C-T. GRCh37 (hg19) VCF-style: chr6-157488325-C-T.
Other names: c.3025+6C>T (NM_020732.3); c.3274+6C>T (NM_001371656.1, NM_001374820.1); c.3235+6C>T (NM_017519.3); c.736+6C>T (NM_001363725.2).
Identifiers: ClinVar variation 210280 (VCV000210280.56), dbSNP rs148976215, ClinGen allele CA208441.